The following is an entry in ClinVar:

NM_006421.5(ARFGEF1):c.4984C>T (p.Arg1662Cys)

Gene: ARFGEF1 (ARF guanine nucleotide exchange factor 1; minus strand). Cytogenetic location: 8q13.2.
Variant type: single nucleotide variant.
Coding change: c.4984C>T on transcript NM_006421.5 (MANE Select); coding-DNA position 4984, C replaced by T.
Protein change: p.Arg1662Cys; replaces arginine 1662 with cysteine.
Molecular consequence: missense variant. On other transcripts: non-coding transcript variant (1).
Genome position (GRCh38, 1-based): chr8:67,203,227, G>A on the plus strand (C>T on the coding strand, the complement: ARFGEF1 is on the minus strand). VCF-style: chr8-67203227-G-A. GRCh37 (hg19) VCF-style: chr8-68115462-G-A.
Other names: c.4984C>T, p.Arg1662Cys (NM_001413184.1, NM_001413187.1, NM_001413194.1); c.4966C>T, p.Arg1656Cys (NM_001413185.1, NM_001413186.1, NM_001413189.1); c.4384C>T, p.Arg1462Cys (NM_001413188.1, NM_001413197.1); c.4978C>T, p.Arg1660Cys (NM_001413190.1); c.4888C>T, p.Arg1630Cys (NM_001413191.1); c.4870C>T, p.Arg1624Cys (NM_001413192.1); c.4366C>T, p.Arg1456Cys (NM_001413193.1); c.3559C>T, p.Arg1187Cys (NM_001413196.1); short protein forms R1187C, R1456C, R1462C, R1624C, R1630C, R1656C, R1660C, R1662C.
Identifiers: ClinVar variation 3033839 (VCV003033839.6), dbSNP rs146795624, ClinGen allele CA4771433.

ClinVar aggregate classification (germline): Likely benign. Review status: criteria provided, single submitter (1 of 4 stars). 2 submissions from 2 submitters: Likely benign (1). 1 of the submissions does not count toward it. Last evaluated 2026-07-01.

Conditions:
ARFGEF1-related disorder. Also called: ARFGEF1-related condition.

Allele frequency attached by ClinVar (database versions not stated): 1000 Genomes Project 0.00040; 1000 Genomes Project 30x 0.00047; TOPMed 0.00124; gnomAD 0.00152; ESP Exome Variant Server 0.00154; ExAC 0.00159; gnomAD exomes 0.00250.
gnomAD v4.1: 3,880 of 1,614,024 alleles (0.24%); highest among the groups gnomAD compares: Non-Finnish European, 0.28%; 6 homozygotes.

Submissions (2):

CeGaT Center for Human Genetics Tuebingen
Classification: Likely benign. Last evaluated: 2026-07-01. Review status: criteria provided, single submitter. Criteria: CeGaT Center For Human Genetics Tuebingen Variant Classification Criteria Version 2. Collection method: clinical testing. Allele origin: germline. Affected: yes. Observed: 2 variant alleles.
Comment: ARFGEF1: BP4, BS1

PreventionGenetics, part of Exact Sciences
Classification: Likely benign for ARFGEF1-related condition. Last evaluated: 2023-03-31. Review status: no assertion criteria provided. Collection method: clinical testing. Allele origin: germline. Not counted in ClinVar's aggregate classification.
Comment: This variant is classified as likely benign based on ACMG/AMP sequence variant interpretation guidelines (Richards et al. 2015 PMID: 25741868, with internal and published modifications).